The following is an entry in ClinVar:

NM_000492.4(CFTR):c.4223T>G (p.Leu1408Arg)

Gene: CFTR (CF transmembrane conductance regulator; plus strand). Cytogenetic location: 7q31.2.
Variant type: single nucleotide variant.
Coding change: c.4223T>G on transcript NM_000492.4 (MANE Select); coding-DNA position 4223, T replaced by G.
Protein change: p.Leu1408Arg; replaces leucine 1408 with arginine.
Molecular consequence: missense variant.
Genome position (GRCh38, 1-based): chr7:117,665,545, T>G. VCF-style: chr7-117665545-T-G. GRCh37 (hg19) VCF-style: chr7-117305599-T-G.
Other names: short protein forms L1408R.
Identifiers: ClinVar variation 4843826 (VCV004843826.1).

ClinVar aggregate classification (germline): Uncertain significance (1 of 4 stars; one submission).

Conditions:
Cystic fibrosis (CF). Also called: MUCOVISCIDOSIS. Identifiers: Orphanet 586, MedGen C0010674, MONDO:0009061, OMIM 219700. Disease mechanism: loss of function.

Submission:

Ambry Genetics
Classification: Uncertain significance for Cystic fibrosis. Last evaluated: 2026-01-03. Review status: criteria provided, single submitter. Criteria: Ambry Variant Classification Scheme 2023. Collection method: clinical testing. Allele origin: germline.
Comment: The p.L1408R variant (also known as c.4223T>G), located in coding exon 26 of the CFTR gene, results from a T to G substitution at nucleotide position 4223. The leucine at codon 1408 is replaced by arginine, an amino acid with dissimilar properties. This amino acid position is conserved. In addition, this alteration is predicted to be deleterious by in silico analysis. Based on the available evidence, the clinical significance of this variant remains unclear.